The following is an entry in ClinVar:

NC_000002.12:g.121530886C>T

Genes: CLASP1 (cytoplasmic linker associated protein 1; minus strand), CLASP1-AS1 (CLASP1 antisense RNA 1; plus strand), RNU4ATAC (RNA, U4atac small nuclear; plus strand). Cytogenetic location: 2q14.2.
Variant type: single nucleotide variant.
Molecular consequence: intron variant (on NM_001395891.1).
Genome position: GRCh38 VCF-style: chr2-121530886-C-T. GRCh37 (hg19) VCF-style: chr2-122288462-C-T.
Other names: c.196-561G>A (NM_001142274.2, NM_015282.3, NM_001378003.1 and 5 more transcripts).
Identifiers: ClinVar variation 1366874 (VCV001366874.4), dbSNP rs764712132, ClinGen allele CA1854677.

ClinVar aggregate classification (germline): Uncertain significance. Review status: criteria provided, multiple submitters, no conflicts (2 of 4 stars). 2 submissions from 2 submitters: Uncertain significance (2). Last evaluated 2024-11-06.

Allele frequency attached by ClinVar (database versions not stated): gnomAD 0.00023 and 0.00024; ExAC 0.00028.
gnomAD v4.1: 254 of 692,792 alleles (0.037%); highest among the groups gnomAD compares: Admixed American, 0.044%; no homozygotes.

Submissions (2):

Blueprint Genetics
Classification: Uncertain significance. Last evaluated: 2024-11-06. Review status: criteria provided, single submitter. Criteria: ACMG Guidelines, 2015. Collection method: clinical testing. Allele origin: germline.

Labcorp Genetics (formerly Invitae), Labcorp
Classification: Uncertain significance. Last evaluated: 2022-10-24. Review status: criteria provided, single submitter. Criteria: Invitae Variant Classification Sherloc (09022015). Collection method: clinical testing. Allele origin: germline.
Comment: This variant occurs in the RNU4ATAC gene, which encodes an RNA molecule that does not result in a protein product. This variant is present in population databases (rs764712132, gnomAD 0.07%). This variant has not been reported in the literature in individuals affected with RNU4ATAC-related conditions. ClinVar contains an entry for this variant (Variation ID: 1366874). Experimental studies and prediction algorithms are not available or were not evaluated, and the functional significance of this variant is currently unknown. In summary, the available evidence is currently insufficient to determine the role of this variant in disease. Therefore, it has been classified as a Variant of Uncertain Significance.